The following is an entry in ClinVar:

NM_020631.6(PLEKHG5):c.211-20C>T

Gene: PLEKHG5 (pleckstrin homology and RhoGEF domain containing G5; minus strand). Cytogenetic location: 1p36.31.
Variant type: single nucleotide variant.
Coding change: c.211-20C>T on transcript NM_020631.6 (MANE Select); 20 bases into the intron before coding-DNA position 211, C replaced by T.
Molecular consequence: intron variant.
Genome position (GRCh38, 1-based): chr1:6,475,158, G>A on the plus strand (C>T on the coding strand, the complement: PLEKHG5 is on the minus strand). VCF-style: chr1-6475158-G-A. GRCh37 (hg19) VCF-style: chr1-6535218-G-A.
Other names: c.211-20C>T (NM_198681.4, NM_001265594.3, NM_001042664.2 and 1 more transcripts); c.322-20C>T (NM_001042663.3, NM_001265592.2); c.418-20C>T (NM_001265593.2).
Identifiers: ClinVar variation 514841 (VCV000514841.9), dbSNP rs990630026, ClinGen allele CA17244443.
Genomic context (GRCh38, chr1:6,475,158, plus strand): 5'-TTCAGGTCAAATTTCAGAGTGAAGCATTCCTTGCTTGGGTCCTGGGAGGATGGTGGGGGT[G>A]GGGGCTGTGAGCTTCTCCTCACCGCCCTCATTCCCGCCCTCCTCCCCACCCTCCTTCCCA-3'

ClinVar aggregate classification (germline): Likely benign. Review status: criteria provided, multiple submitters, no conflicts (2 of 4 stars). 2 submissions from 2 submitters: Likely benign (2). Last evaluated 2024-06-09.

Conditions:
Neuronopathy, distal hereditary motor, autosomal recessive 4. Also called: NEUROPATHY, DISTAL HEREDITARY MOTOR, AUTOSOMAL RECESSIVE 4; Autosomal recessive lower motor neuron disease with childhood onset. Identifiers: Orphanet 206580, MedGen C1970211, MONDO:0012608, OMIM 611067.
Charcot-Marie-Tooth disease recessive intermediate C. Also called: CHARCOT-MARIE-TOOTH NEUROPATHY, RECESSIVE INTERMEDIATE C. Identifiers: Orphanet 369867, MedGen C3809309, MONDO:0014154, OMIM 615376.

Allele frequency attached by ClinVar (database versions not stated): gnomAD exomes 0.00001; gnomAD 0.00003; TOPMed 0.00003.
gnomAD v4.1: 21 of 1,431,808 alleles (0.0015%); highest among the groups gnomAD compares: Non-Finnish European, 0.0021%; no homozygotes.

Submissions (2):

Labcorp Genetics (formerly Invitae), Labcorp
Classification: Likely benign for Neuronopathy, distal hereditary motor, autosomal recessive 4; Charcot-Marie-Tooth disease recessive intermediate C. Last evaluated: 2024-06-09. Review status: criteria provided, single submitter. Criteria: Invitae Variant Classification Sherloc (09022015). Collection method: clinical testing. Allele origin: germline.

GeneDx
Classification: Likely benign. Last evaluated: 2018-01-22. Review status: criteria provided, single submitter. Criteria: GeneDx Variant Classification (06012015). Collection method: clinical testing. Allele origin: germline. Affected: yes.
Comment: This variant is considered likely benign or benign based on one or more of the following criteria: it is a conservative change, it occurs at a poorly conserved position in the protein, it is predicted to be benign by multiple in silico algorithms, and/or has population frequency not consistent with disease.